The following is an entry in ClinVar:

NM_053025.4(MYLK):c.1433G>C (p.Arg478Pro)

Gene: MYLK (myosin light chain kinase; minus strand). Cytogenetic location: 3q21.1.
Variant type: single nucleotide variant.
Coding change: c.1433G>C on transcript NM_053025.4 (MANE Select); coding-DNA position 1433, G replaced by C.
Protein change: p.Arg478Pro; replaces arginine 478 with proline.
Molecular consequence: missense variant. On other transcripts: intron variant (2).
Genome position (GRCh38, 1-based): chr3:123,732,979, C>G on the plus strand (G>C on the coding strand, the complement: MYLK is on the minus strand). VCF-style: chr3-123732979-C-G. GRCh37 (hg19) VCF-style: chr3-123451826-C-G.
Other names: c.905G>C, p.Arg302Pro (NM_001321309.2); c.1433G>C, p.Arg478Pro (NM_053027.4); c.1309+708G>C (NM_053028.4, NM_053026.4); short protein forms R302P, R478P.
Identifiers: ClinVar variation 1320399 (VCV001320399.2), dbSNP rs775483725, ClinGen allele CA354237929.

ClinVar aggregate classification (germline): Uncertain significance (1 of 4 stars; one submission).

Submission:

GeneDx
Classification: Uncertain significance. Last evaluated: 2019-02-14. Review status: criteria provided, single submitter. Criteria: GeneDx Variant Classification Process June 2021. Collection method: clinical testing. Allele origin: germline. Affected: yes.
Comment: Not observed in large population cohorts (Lek et al., 2016; McVean et al., 2012; Exome Variant Server); In silico analysis, which includes protein predictors and evolutionary conservation, supports that this variant does not alter protein structure/function; Has not been previously published as pathogenic or benign to our knowledge